The following is an entry in ClinVar:

ClinVar aggregate classification (germline): Uncertain significance (1 of 4 stars; one submission).

gnomAD v4.1: 2 of 1,614,182 alleles (0.00012%); highest among the groups gnomAD compares: Non-Finnish European, 0.000085%; no homozygotes.

Submission:

Labcorp Genetics (formerly Invitae), Labcorp
Classification: Uncertain significance. Last evaluated: 2024-02-28. Review status: criteria provided, single submitter. Criteria: Invitae Variant Classification Sherloc (09022015). Collection method: clinical testing. Allele origin: germline.
Comment: This sequence change replaces valine, which is neutral and non-polar, with alanine, which is neutral and non-polar, at codon 140 of the AK7 protein (p.Val140Ala). This variant is not present in population databases (gnomAD no frequency). This variant has not been reported in the literature in individuals affected with AK7-related conditions. Advanced modeling of protein sequence and biophysical properties (such as structural, functional, and spatial information, amino acid conservation, physicochemical variation, residue mobility, and thermodynamic stability) performed at Invitae indicates that this missense variant is not expected to disrupt AK7 protein function with a negative predictive value of 80%. In summary, the available evidence is currently insufficient to determine the role of this variant in disease. Therefore, it has been classified as a Variant of Uncertain Significance.

NM_152327.5(AK7):c.419T>C (p.Val140Ala)

Gene: AK7 (adenylate kinase 7; plus strand). Cytogenetic location: 14q32.2.
Variant type: single nucleotide variant.
Coding change: c.419T>C on transcript NM_152327.5 (MANE Select); coding-DNA position 419, T replaced by C.
Protein change: p.Val140Ala; replaces valine 140 with alanine.
Molecular consequence: missense variant.
Genome position (GRCh38, 1-based): chr14:96,408,862, T>C. VCF-style: chr14-96408862-T-C. GRCh37 (hg19) VCF-style: chr14-96875199-T-C.
Other names: c.419T>C, p.Val140Ala (NM_001350888.2, NM_001350890.2, NM_001350891.2 and 1 more transcripts); short protein forms V140A.
Identifiers: ClinVar variation 3643619 (VCV003643619.2).